The following is an entry in ClinVar:

ClinVar aggregate classification (germline): Uncertain significance (1 of 4 stars; one submission).

Submission:

Labcorp Genetics (formerly Invitae), Labcorp
Classification: Uncertain significance. Last evaluated: 2024-04-10. Review status: criteria provided, single submitter. Criteria: Invitae Variant Classification Sherloc (09022015). Collection method: clinical testing. Allele origin: germline.
Comment: This sequence change replaces tyrosine, which is neutral and polar, with cysteine, which is neutral and slightly polar, at codon 177 of the KIAA1549 protein (p.Tyr177Cys). This variant is not present in population databases (gnomAD no frequency). This variant has not been reported in the literature in individuals affected with KIAA1549-related conditions. ClinVar contains an entry for this variant (Variation ID: 1402172). Algorithms developed to predict the effect of missense changes on protein structure and function output the following: SIFT: "Not Available"; PolyPhen-2: "Benign"; Align-GVGD: "Not Available". The cysteine amino acid residue is found in multiple mammalian species, which suggests that this missense change does not adversely affect protein function. In summary, the available evidence is currently insufficient to determine the role of this variant in disease. Therefore, it has been classified as a Variant of Uncertain Significance.

NM_001164665.2(KIAA1549):c.530A>G (p.Tyr177Cys)

Gene: KIAA1549 (KIAA1549; minus strand). Cytogenetic location: 7q34.
Variant type: single nucleotide variant.
Coding change: c.530A>G on transcript NM_001164665.2 (MANE Select); coding-DNA position 530, A replaced by G.
Protein change: p.Tyr177Cys; replaces tyrosine 177 with cysteine.
Molecular consequence: missense variant.
Genome position (GRCh38, 1-based): chr7:138,919,096, T>C on the plus strand (A>G on the coding strand, the complement: KIAA1549 is on the minus strand). VCF-style: chr7-138919096-T-C. GRCh37 (hg19) VCF-style: chr7-138603842-T-C.
Other names: c.530A>G, p.Tyr177Cys (NM_020910.3); short protein forms Y177C.
Identifiers: ClinVar variation 1402172 (VCV001402172.8), dbSNP rs2130483601, ClinGen allele CA369402853.